The following is an entry in ClinVar:

ClinVar aggregate classification (germline): Conflicting classifications of pathogenicity. Review status: criteria provided, conflicting classifications (1 of 4 stars). 4 submissions from 4 submitters: Uncertain significance (3); Likely benign (1). Last evaluated 2024-09-20.

Conditions:
Developmental and epileptic encephalopathy, 23 (DEE23). Also called: Epileptic encephalopathy, early infantile, 23. Identifiers: Orphanet 411986, MedGen C4014492, MONDO:0014371, OMIM 615859.

gnomAD v4.1: 5 of 1,613,832 alleles (0.00031%); highest among the groups gnomAD compares: Middle Eastern, 0.066%; no homozygotes.

Submissions (4):

3billion
Classification: Likely benign for Developmental and epileptic encephalopathy, 23. Last evaluated: 2024-09-20. Review status: criteria provided, single submitter. Criteria: ACMG Guidelines, 2015. Collection method: clinical testing. Allele origin: germline. Affected: no.
Comment: The homozygous variant was found in patients diagnosed with another variant in a different gene, with no symptoms related to the gene containing the homozygous variant.

Genome-Nilou Lab
Classification: Uncertain significance for Developmental and epileptic encephalopathy, 23. Last evaluated: 2023-04-11. Review status: criteria provided, single submitter. Criteria: ACMG Guidelines, 2015. Collection method: clinical testing. Allele origin: germline. Affected: no.

Revvity Omics, Revvity
Classification: Uncertain significance for Developmental and epileptic encephalopathy, 23. Last evaluated: 2022-05-25. Review status: criteria provided, single submitter. Criteria: ACMG Guidelines, 2015. Collection method: clinical testing. Allele origin: germline.

Mayo Clinic Laboratories, Mayo Clinic
Classification: Uncertain significance. Last evaluated: 2019-04-07. Review status: criteria provided, single submitter. Criteria: ACMG Guidelines, 2015. Collection method: clinical testing. Allele origin: germline. Observed: 1 variant allele.

NM_001367561.1(DOCK7):c.2503A>G (p.Asn835Asp)

Gene: DOCK7 (dedicator of cytokinesis 7; minus strand). Cytogenetic location: 1p31.3.
Variant type: single nucleotide variant.
Coding change: c.2503A>G on transcript NM_001367561.1 (MANE Select); coding-DNA position 2503, A replaced by G.
Protein change: p.Asn835Asp; replaces asparagine 835 with aspartic acid.
Molecular consequence: missense variant.
Genome position (GRCh38, 1-based): chr1:62,555,918, T>C on the plus strand (A>G on the coding strand, the complement: DOCK7 is on the minus strand). VCF-style: chr1-62555918-T-C. GRCh37 (hg19) VCF-style: chr1-63021589-T-C.
Other names: c.2503A>G, p.Asn835Asp (NM_001271999.2, NM_001272000.2, NM_001272001.2 and 2 more transcripts); short protein forms N835D.
Identifiers: ClinVar variation 1163733 (VCV001163733.10), dbSNP rs747830413, ClinGen allele CA23752000.